The following is an entry in ClinVar:

ClinVar aggregate classification (germline): Uncertain significance (1 of 4 stars; one submission).

Conditions:
Developmental and epileptic encephalopathy, 37 (DEE37). Also called: Epileptic encephalopathy, early infantile, 37. Identifiers: MedGen C4310770, MONDO:0014859, OMIM 616981.

Allele frequency attached by ClinVar (database versions not stated): gnomAD exomes below 0.00001 and 0.00001; ExAC 0.00001.
gnomAD v4.1: 2 of 1,614,146 alleles (0.00012%); highest among the groups gnomAD compares: East Asian, 0.0045%; no homozygotes.

Submission:

Labcorp Genetics (formerly Invitae), Labcorp
Classification: Uncertain significance for Developmental and epileptic encephalopathy, 37. Last evaluated: 2019-03-13. Review status: criteria provided, single submitter. Criteria: Invitae Variant Classification Sherloc (09022015). Collection method: clinical testing. Allele origin: germline.
Comment: In summary, the available evidence is currently insufficient to determine the role of this variant in disease. Therefore, it has been classified as a Variant of Uncertain Significance. Algorithms developed to predict the effect of missense changes on protein structure and function are either unavailable or do not agree on the potential impact of this missense change (SIFT: "Tolerated"; PolyPhen-2: "Possibly Damaging"; Align-GVGD: "Class C0"). This variant has not been reported in the literature in individuals with FRRS1L-related conditions. This variant is present in population databases (rs766579200, ExAC 0.01%). This sequence change replaces arginine with lysine at codon 265 of the FRRS1L protein (p.Arg265Lys). The arginine residue is highly conserved and there is a small physicochemical difference between arginine and lysine.

NM_014334.4(FRRS1L):c.641G>A (p.Arg214Lys)

Gene: FRRS1L (ferric chelate reductase 1 like; minus strand). Cytogenetic location: 9q31.3.
Variant type: single nucleotide variant.
Coding change: c.641G>A on transcript NM_014334.4 (MANE Select); coding-DNA position 641, G replaced by A.
Protein change: p.Arg214Lys; replaces arginine 214 with lysine.
Molecular consequence: missense variant.
Genome position (GRCh38, 1-based): chr9:109,141,411, C>T on the plus strand (G>A on the coding strand, the complement: FRRS1L is on the minus strand). VCF-style: chr9-109141411-C-T. GRCh37 (hg19) VCF-style: chr9-111903691-C-T.
Other names: short protein forms R214K.
Identifiers: ClinVar variation 856580 (VCV000856580.10), dbSNP rs766579200, ClinGen allele CA5177361.
Genomic context (GRCh38, chr9:109,141,411, plus strand): 5'-GCTGGACCCCAAGCAAACAGATAATACCAACTCAAATGCAGATCAACAATTGTTTCATCT[C>T]TGGGAACATTCACAGGGCGTTTAAATCTGCAGGTGACGCGATTGTTCTCAAAAACTCCTT-3'
Protein context (NP_055149.3, residues 204-224): CRFKRPVNVP[Arg214Lys]DETIVDLHLS